The following is an entry in ClinVar:

NM_025179.4(PLXNA2):c.2798G>C (p.Cys933Ser)

Gene: PLXNA2 (plexin A2; minus strand). Cytogenetic location: 1q32.2.
Variant type: single nucleotide variant.
Coding change: c.2798G>C on transcript NM_025179.4 (MANE Select); coding-DNA position 2798, G replaced by C.
Protein change: p.Cys933Ser; replaces cysteine 933 with serine.
Molecular consequence: missense variant.
Genome position (GRCh38, 1-based): chr1:208,054,479, C>G on the plus strand (G>C on the coding strand, the complement: PLXNA2 is on the minus strand). VCF-style: chr1-208054479-C-G. GRCh37 (hg19) VCF-style: chr1-208227824-C-G.
Other names: short protein forms C933S.
Identifiers: ClinVar variation 4999899 (VCV004999899.1).

ClinVar aggregate classification (germline): Uncertain significance (1 of 4 stars; one submission).

Conditions:
PLXNA2-related disorder. Also called: PLXNA2-related condition.

Submission:

PreventionGenetics, part of Exact Sciences
Classification: Uncertain significance for PLXNA2-related condition. Last evaluated: 2025-08-05. Review status: criteria provided, single submitter. Criteria: ACMG Guidelines, 2015. Collection method: clinical testing. Allele origin: germline.
Comment: The PLXNA2 c.2798G>C variant is predicted to result in the amino acid substitution p.Cys933Ser. To our knowledge, this variant has not been reported in the literature or in a large population database (gnomAD), indicating this variant is rare. At this time, the clinical significance of this variant is uncertain due to the absence of conclusive functional and genetic evidence.